The following is an entry in ClinVar:

ClinVar aggregate classification (germline): Uncertain significance (1 of 4 stars; one submission).

Submission:

Labcorp Genetics (formerly Invitae), Labcorp
Classification: Uncertain significance. Last evaluated: 2024-04-01. Review status: criteria provided, single submitter. Criteria: Invitae Variant Classification Sherloc (09022015). Collection method: clinical testing. Allele origin: germline.
Comment: This sequence change replaces asparagine, which is neutral and polar, with lysine, which is basic and polar, at codon 59 of the LAMTOR2 protein (p.Asn59Lys). This variant is not present in population databases (gnomAD no frequency). This variant has not been reported in the literature in individuals affected with LAMTOR2-related conditions. An algorithm developed to predict the effect of missense changes on protein structure and function (PolyPhen-2) suggests that this variant is likely to be tolerated. In summary, the available evidence is currently insufficient to determine the role of this variant in disease. Therefore, it has been classified as a Variant of Uncertain Significance.

NM_014017.4(LAMTOR2):c.177C>G (p.Asn59Lys)

Genes: LAMTOR2 (late endosomal/lysosomal adaptor, MAPK and MTOR activator 2; plus strand), LOC129931594 (ATAC-STARR-seq lymphoblastoid active region 1836; plus strand). Cytogenetic location: 1q22.
Variant type: single nucleotide variant.
Coding change: c.177C>G on transcript NM_014017.4 (MANE Select); coding-DNA position 177, C replaced by G.
Protein change: p.Asn59Lys; replaces asparagine 59 with lysine.
Molecular consequence: missense variant.
Genome position (GRCh38, 1-based): chr1:156,055,371, C>G. VCF-style: chr1-156055371-C-G. GRCh37 (hg19) VCF-style: chr1-156025162-C-G.
Other names: c.177C>G, p.Asn59Lys (NM_001145264.2); short protein forms N59K.
Identifiers: ClinVar variation 3648381 (VCV003648381.2).
Genomic context (GRCh38, chr1:156,055,371, plus strand): 5'-CACTGACGCCCGGGTCACCGCTGCCATAGCCAGTAACATCTGGGCCGCCTACGACCGGAA[C>G]GGGAACCAAGCGTTTAATGAAGACAATCTCAAATTCATCCTCATGGACTGCATGGTATGG-3'
Protein context (NP_054736.1, residues 49-69): ASNIWAAYDR[Asn59Lys]GNQAFNEDNL